The following is an entry in ClinVar:

NM_000077.5(CDKN2A):c.65G>A (p.Arg22Gln)

Gene: CDKN2A (cyclin dependent kinase inhibitor 2A; minus strand). Cytogenetic location: 9p21.3.
Variant type: single nucleotide variant.
Coding change: c.65G>A on transcript NM_000077.5; coding-DNA position 65, G replaced by A.
Protein change: p.Arg22Gln; replaces arginine 22 with glutamine.
Molecular consequence: missense variant (on NM_000077.6). On other transcripts: intron variant (2).
Genome position (GRCh38, 1-based): chr9:21,974,763, C>T on the plus strand (G>A on the coding strand, the complement: CDKN2A is on the minus strand). VCF-style: chr9-21974763-C-T. GRCh37 (hg19) VCF-style: chr9-21974762-C-T.
Other names: c.65G>A, p.Arg22Gln (NM_000077.6, NM_001195132.2, NM_058197.5); c.-3-3555G>A (NM_001363763.2); c.194-3555G>A (NM_058195.4); short protein forms R22Q.
Identifiers: ClinVar variation 491581 (VCV000491581.12), dbSNP rs1554656491, ClinGen allele CA373086625.

ClinVar aggregate classification (germline): Uncertain significance. Review status: criteria provided, multiple submitters, no conflicts (2 of 4 stars). 2 submissions from 2 submitters: Uncertain significance (2). Last evaluated 2025-05-12.

Conditions:
Hereditary cancer-predisposing syndrome. Also called: Tumor predisposition; Hereditary Cancer Syndrome; Neoplastic Syndromes, Hereditary; Hereditary neoplastic syndrome. Identifiers: Orphanet 140162, MedGen C0027672, MeSH D009386, MONDO:0015356.
Familial melanoma. Also called: Hereditary melanoma; Hereditary cutaneous melanoma. Identifiers: Orphanet 618, MedGen C1512419, MONDO:0018961.

Allele frequency attached by ClinVar (database versions not stated): gnomAD exomes below 0.00001.
gnomAD v4.1: 2 of 1,609,230 alleles (0.00012%); highest among the groups gnomAD compares: Non-Finnish European, 0.00017%; no homozygotes.

Submissions (2):

Labcorp Genetics (formerly Invitae), Labcorp
Classification: Uncertain significance for Familial melanoma. Last evaluated: 2025-05-12. Review status: criteria provided, single submitter. Criteria: Invitae Variant Classification Sherloc (09022015). Collection method: clinical testing. Allele origin: germline.
Comment: This sequence change replaces arginine, which is basic and polar, with glutamine, which is neutral and polar, at codon 22 of the CDKN2A (p16INK4a) protein (p.Arg22Gln). This variant is not present in population databases (gnomAD no frequency). This variant has not been reported in the literature in individuals affected with CDKN2A (p16INK4a)-related conditions. ClinVar contains an entry for this variant (Variation ID: 491581). An algorithm developed to predict the effect of missense changes on protein structure and function outputs the following: PolyPhen-2: "Benign". The glutamine amino acid residue is found in multiple mammalian species, which suggests that this missense change does not adversely affect protein function. In summary, the available evidence is currently insufficient to determine the role of this variant in disease. Therefore, it has been classified as a Variant of Uncertain Significance.

Color Diagnostics, LLC DBA Color Health
Classification: Uncertain significance for Hereditary cancer-predisposing syndrome. Last evaluated: 2020-12-08. Review status: criteria provided, single submitter. Criteria: ACMG Guidelines, 2015. Collection method: clinical testing. Allele origin: germline.
Comment: This missense variant replaces arginine with glutamine at codon 22 of the CDKN2A (p16INK4A) protein. Computational prediction suggests that this variant may not impact protein structure and function (internally defined REVEL score threshold <= 0.5, PMID: 27666373). To our knowledge, functional studies have not been reported for this variant. This variant has not been reported in individuals affected with hereditary cancer in the literature. This variant has not been identified in the general population by the Genome Aggregation Database (gnomAD). The available evidence is insufficient to determine the role of this variant in disease conclusively. Therefore, this variant is classified as a Variant of Uncertain Significance.